The following is an entry in ClinVar:

ClinVar aggregate classification (germline): Uncertain significance (1 of 4 stars; one submission).

Allele frequency attached by ClinVar (database versions not stated): gnomAD exomes below 0.00001.
gnomAD v4.1: 3 of 1,612,424 alleles (0.00019%); highest among the groups gnomAD compares: Non-Finnish European, 0.00025%; no homozygotes.

Submission:

GeneDx
Classification: Uncertain significance. Last evaluated: 2022-07-18. Review status: criteria provided, single submitter. Criteria: GeneDx Variant Classification Process June 2021. Collection method: clinical testing. Allele origin: germline. Affected: yes.
Comment: Not observed at significant frequency in large population cohorts (gnomAD); In silico analysis supports that this missense variant has a deleterious effect on protein structure/function; Has not been previously published as pathogenic or benign to our knowledge

NM_018993.4(RIN2):c.1972T>C (p.Phe658Leu)

Gene: RIN2 (Ras and Rab interactor 2; plus strand). Cytogenetic location: 20p11.23.
Variant type: single nucleotide variant.
Coding change: c.1972T>C on transcript NM_018993.4 (MANE Select); coding-DNA position 1972, T replaced by C.
Protein change: p.Phe658Leu; replaces phenylalanine 658 with leucine.
Molecular consequence: missense variant.
Genome position (GRCh38, 1-based): chr20:19,990,215, T>C. VCF-style: chr20-19990215-T-C. GRCh37 (hg19) VCF-style: chr20-19970859-T-C.
Other names: c.2119T>C, p.Phe707Leu (NM_001242581.2); c.1354T>C, p.Phe452Leu (NM_001378238.1); short protein forms F707L, F452L, F658L.
Identifiers: ClinVar variation 2136028 (VCV002136028.1), dbSNP rs2515600690, ClinGen allele CA408365548.